The following is an entry in ClinVar:

NM_080473.5(GATA5):c.675G>A (p.Pro225=)

Gene: GATA5 (GATA binding protein 5; minus strand). Cytogenetic location: 20q13.33.
Variant type: single nucleotide variant.
Coding change: c.675G>A on transcript NM_080473.5 (MANE Select); coding-DNA position 675, G replaced by A.
Protein change: p.Pro225=; no amino-acid change (proline 225 retained).
Molecular consequence: synonymous variant.
Genome position (GRCh38, 1-based): chr20:62,473,427, C>T on the plus strand (G>A on the coding strand, the complement: GATA5 is on the minus strand). VCF-style: chr20-62473427-C-T. GRCh37 (hg19) VCF-style: chr20-61048483-C-T.
Other names: c.675G>A (NM_080473.4).
Identifiers: ClinVar variation 1992067 (VCV001992067.7), dbSNP rs144082730, ClinGen allele CA9946252.

ClinVar aggregate classification (germline): Likely benign. Review status: criteria provided, multiple submitters, no conflicts (2 of 4 stars). 3 submissions from 3 submitters: Likely benign (2). 1 of the submissions does not count toward it. Last evaluated 2026-01-24.

Conditions:
GATA5-related disorder. Also called: GATA5-related condition.

Allele frequency attached by ClinVar (database versions not stated): gnomAD 0.00003; ESP Exome Variant Server 0.00008.
gnomAD v4.1: 80 of 1,609,222 alleles (0.005%); highest among the groups gnomAD compares: South Asian, 0.028%; no homozygotes.

Submissions (3):

Labcorp Genetics (formerly Invitae), Labcorp
Classification: Likely benign. Last evaluated: 2026-01-24. Review status: criteria provided, single submitter. Criteria: Invitae Variant Classification Sherloc (09022015). Collection method: clinical testing. Allele origin: germline.

Blueprint Genetics
Classification: Likely benign. Last evaluated: 2024-09-03. Review status: criteria provided, single submitter. Criteria: ACMG Guidelines, 2015. Collection method: clinical testing. Allele origin: germline.

PreventionGenetics, part of Exact Sciences
Classification: Likely benign for GATA5-related condition. Last evaluated: 2022-05-23. Review status: no assertion criteria provided. Collection method: clinical testing. Allele origin: germline. Not counted in ClinVar's aggregate classification.
Comment: This variant is classified as likely benign based on ACMG/AMP sequence variant interpretation guidelines (Richards et al. 2015 PMID: 25741868, with internal and published modifications).